The following is an entry in ClinVar:

NM_001042492.3(NF1):c.3241G>A (p.Ala1081Thr)

Gene: NF1 (neurofibromin 1; plus strand). Cytogenetic location: 17q11.2.
Variant type: single nucleotide variant.
Coding change: c.3241G>A on transcript NM_001042492.3 (MANE Select); coding-DNA position 3241, G replaced by A.
Protein change: p.Ala1081Thr; replaces alanine 1081 with threonine.
Molecular consequence: missense variant.
Genome position (GRCh38, 1-based): chr17:31,232,116, G>A. VCF-style: chr17-31232116-G-A. GRCh37 (hg19) VCF-style: chr17-29559134-G-A.
Other names: c.3241G>A, p.Ala1081Thr (NM_000267.4); short protein forms A1081T.
Identifiers: ClinVar variation 527523 (VCV000527523.5), dbSNP rs1555614834, ClinGen allele CA398988764.

ClinVar aggregate classification (germline): Uncertain significance (1 of 4 stars; one submission).

Conditions:
Neurofibromatosis, type 1 (NF1). Also called: VON RECKLINGHAUSEN DISEASE; NEUROFIBROMATOSIS, TYPE I, SOMATIC; Peripheral type neurofibromatosis; Neurofibromatosis, type I. Identifiers: Orphanet 636, MedGen C0027831, MONDO:0018975, OMIM 162200. Disease mechanism: loss of function.

Allele frequency attached by ClinVar (database versions not stated): gnomAD exomes below 0.00001.
gnomAD v4.1: 1 of 1,579,804 alleles (0.000063%); highest among the groups gnomAD compares: Non-Finnish European, 0.000086%; no homozygotes.

Submission:

Labcorp Genetics (formerly Invitae), Labcorp
Classification: Uncertain significance for Neurofibromatosis, type 1. Last evaluated: 2017-12-29. Review status: criteria provided, single submitter. Criteria: Invitae Variant Classification Sherloc (09022015). Collection method: clinical testing. Allele origin: germline.
Comment: In summary, the available evidence is currently insufficient to determine the role of this variant in disease. Therefore, it has been classified as a Variant of Uncertain Significance. Algorithms developed to predict the effect of missense changes on protein structure and function (SIFT, PolyPhen-2, Align-GVGD) all suggest that this variant is likely to be tolerated, but these predictions have not been confirmed by published functional studies and their clinical significance is uncertain. This variant has not been reported in the literature in individuals with NF1-related disease. This variant is not present in population databases (ExAC no frequency). This sequence change replaces alanine with threonine at codon 1081 of the NF1 protein (p.Ala1081Thr). The alanine residue is moderately conserved and there is a small physicochemical difference between alanine and threonine.